The following is an entry in ClinVar:

NM_173495.3(PTCHD1):c.871G>A (p.Asp291Asn)

Gene: PTCHD1 (patched domain containing 1; plus strand). Cytogenetic location: Xp22.11.
Variant type: single nucleotide variant.
Coding change: c.871G>A on transcript NM_173495.3 (MANE Select); coding-DNA position 871, G replaced by A.
Protein change: p.Asp291Asn; replaces aspartic acid 291 with asparagine.
Molecular consequence: missense variant.
Genome position (GRCh38, 1-based): chrX:23,380,110, G>A. VCF-style: chrX-23380110-G-A. GRCh37 (hg19) VCF-style: chrX-23398227-G-A.
Other names: short protein forms D291N.
Identifiers: ClinVar variation 4282413 (VCV004282413.1).

ClinVar aggregate classification (germline): Uncertain significance (1 of 4 stars; one submission).

gnomAD v4.1: 2 of 1,211,743 alleles (0.00017%); highest among the groups gnomAD compares: Non-Finnish European, 0.00022%; no homozygotes.

Submission:

GeneDx
Classification: Uncertain significance. Last evaluated: 2025-04-18. Review status: criteria provided, single submitter. Criteria: GeneDx Variant Classification Process June 2021. Collection method: clinical testing. Allele origin: germline. Affected: yes.
Comment: In silico analysis supports that this missense variant has a deleterious effect on protein structure/function; This variant is associated with the following publications: (PMID: 34356170)